The following is an entry in ClinVar:

ClinVar aggregate classification (germline): Conflicting classifications of pathogenicity. Review status: criteria provided, conflicting classifications (1 of 4 stars). 4 submissions from 4 submitters: Uncertain significance (1); Likely benign (3). Last evaluated 2025-02-26.

Conditions:
Inborn genetic diseases. Identifiers: MedGen C0950123, MeSH D030342.
Hereditary spastic paraplegia 11. Also called: SPASTIC PARAPLEGIA, AUTOSOMAL RECESSIVE, COMPLICATED, WITH THIN CORPUS CALLOSUM; SPASTIC PARAPLEGIA, AUTOSOMAL RECESSIVE, WITH MENTAL IMPAIRMENT AND THIN CORPUS CALLOSUM; Nakamura Osame syndrome; Autosomal recessive hereditary spastic paraplegia, mental impairment, and thin corpus callosum; Spastic paraplegia, mental retardation and thin corpus callosum; Spastic Paraplegia 11. Identifiers: Orphanet 2822, MedGen C1858479, MONDO:0011445, OMIM 604360.

Allele frequency attached by ClinVar (database versions not stated): gnomAD 0.00002; gnomAD exomes 0.00002 and 0.00005; TOPMed 0.00002; ExAC 0.00003.
gnomAD v4.1: 34 of 1,613,598 alleles (0.0021%); highest among the groups gnomAD compares: Non-Finnish European, 0.00017%; no homozygotes.

Submissions (4):

Mayo Clinic Laboratories, Mayo Clinic
Classification: Likely benign. Last evaluated: 2025-02-26. Review status: criteria provided, single submitter. Criteria: ACMG Guidelines, 2015. Collection method: clinical testing. Allele origin: germline. Observed: 1 variant allele.
Comment: BP4, BP7

Labcorp Genetics (formerly Invitae), Labcorp
Classification: Likely benign for Hereditary spastic paraplegia 11. Last evaluated: 2024-04-17. Review status: criteria provided, single submitter. Criteria: Invitae Variant Classification Sherloc (09022015). Collection method: clinical testing. Allele origin: germline.

Ambry Genetics
Classification: Likely benign for Inborn genetic diseases. Last evaluated: 2019-07-11. Review status: criteria provided, single submitter. Criteria: Ambry Variant Classification Scheme 2023. Collection method: clinical testing. Allele origin: germline.

Illumina Laboratory Services, Illumina
Classification: Uncertain significance for Hereditary spastic paraplegia 11. Last evaluated: 2018-01-13. Review status: criteria provided, single submitter. Criteria: ICSL Variant Classification Criteria 13 December 2019. Collection method: clinical testing. Allele origin: germline.

NM_025137.4(SPG11):c.5407C>T (p.Leu1803=)

Gene: SPG11 (SPG11 vesicle trafficking associated, spatacsin; minus strand). Cytogenetic location: 15q21.1.
Variant type: single nucleotide variant.
Coding change: c.5407C>T on transcript NM_025137.4 (MANE Select); coding-DNA position 5407, C replaced by T.
Protein change: p.Leu1803=; no amino-acid change (leucine 1803 retained).
Molecular consequence: synonymous variant.
Genome position (GRCh38, 1-based): chr15:44,584,273, G>A on the plus strand (C>T on the coding strand, the complement: SPG11 is on the minus strand). VCF-style: chr15-44584273-G-A. GRCh37 (hg19) VCF-style: chr15-44876471-G-A.
Other names: p.Leu1803=; c.5407C>T, p.Leu1803= (NM_001160227.2).
Identifiers: ClinVar variation 316089 (VCV000316089.17), dbSNP rs200102584, ClinGen allele CA7534411.